The following is an entry in ClinVar:

NM_004415.4(DSP):c.5626G>A (p.Glu1876Lys)

Gene: DSP (desmoplakin; plus strand). Cytogenetic location: 6p24.3.
Variant type: single nucleotide variant.
Coding change: c.5626G>A on transcript NM_004415.4 (MANE Select); coding-DNA position 5626, G replaced by A.
Protein change: p.Glu1876Lys; replaces glutamic acid 1876 with lysine.
Molecular consequence: missense variant.
Genome position (GRCh38, 1-based): chr6:7,582,888, G>A. VCF-style: chr6-7582888-G-A. GRCh37 (hg19) VCF-style: chr6-7583121-G-A.
Other names: c.3829G>A, p.Glu1277Lys (NM_001008844.3); c.4297G>A, p.Glu1433Lys (NM_001319034.2); short protein forms E1277K, E1433K, E1876K.
Identifiers: ClinVar variation 925455 (VCV000925455.4), dbSNP rs1252594295, ClinGen allele CA362689042.
Genomic context (GRCh38, chr6:7,582,888, plus strand): 5'-GAGAAACAGCAAATTCAGAATGACCTGAATCAGTGGAAGACTCAATATTCCCGCAAGGAG[G>A]AGGCTATTAGGAAGATAGAATCGGAAAGAGAAAAGAGTGAGAGAGAGAAGAACAGTCTTA-3'
Protein context (NP_004406.2, residues 1866-1886): QWKTQYSRKE[Glu1876Lys]AIRKIESERE

ClinVar aggregate classification (germline): Uncertain significance (1 of 4 stars; one submission).

Conditions:
Cardiomyopathy (CMYO). Also called: Cardiomyopathies. Identifiers: Orphanet 167848, MedGen C0878544, MONDO:0004994, HP:0001638. Inheritance: Various modes of inheritance.

Allele frequency attached by ClinVar (database versions not stated): gnomAD exomes below 0.00001.
gnomAD v4.1: 4 of 1,614,118 alleles (0.00025%); highest among the groups gnomAD compares: South Asian, 0.0044%; no homozygotes.

Submission:

Color Diagnostics, LLC DBA Color Health
Classification: Uncertain significance for Cardiomyopathy. Last evaluated: 2023-12-05. Review status: criteria provided, single submitter. Criteria: ACMG Guidelines, 2015. Collection method: clinical testing. Allele origin: germline.
Comment: This missense variant replaces glutamic acid with lysine at codon 1876 of the DSP protein. Computational prediction suggests that this variant may not impact protein structure and function (internally defined REVEL score threshold <= 0.5, PMID: 27666373). To our knowledge, functional studies have not been reported for this variant. This variant has not been reported in individuals affected with DSP-related disorders in the literature. This variant has been identified in 1/251418 chromosomes in the general population by the Genome Aggregation Database (gnomAD). The available evidence is insufficient to determine the role of this variant in disease conclusively. Therefore, this variant is classified as a Variant of Uncertain Significance.